The following is an entry in ClinVar:

NM_003126.4(SPTA1):c.1265A>T (p.Tyr422Phe)

Gene: SPTA1 (spectrin alpha, erythrocytic 1; minus strand). Cytogenetic location: 1q23.1.
Variant type: single nucleotide variant.
Coding change: c.1265A>T on transcript NM_003126.4 (MANE Select); coding-DNA position 1265, A replaced by T.
Protein change: p.Tyr422Phe; replaces tyrosine 422 with phenylalanine.
Molecular consequence: missense variant.
Genome position (GRCh38, 1-based): chr1:158,674,414, T>A on the plus strand (A>T on the coding strand, the complement: SPTA1 is on the minus strand). VCF-style: chr1-158674414-T-A. GRCh37 (hg19) VCF-style: chr1-158644204-T-A.
Other names: short protein forms Y422F.
Identifiers: ClinVar variation 4696982 (VCV004696982.1).
Genomic context (GRCh38, chr1:158,674,414, plus strand): 5'-TCATGATTGGCATTCACGAGGTCTTGACCAGTCTCATCAGCAGATTGAAATCGGTCATCG[T>A]AAGAGTCAATCTCATGCTGTGGCCACAAAACAAAGTGTCTCAAAATGCAGCAAGAAACCT-3'
Protein context (NP_003117.2, residues 412-432): HQQHKHEIDS[Tyr422Phe]DDRFQSADET

ClinVar aggregate classification (germline): Uncertain significance (1 of 4 stars; one submission).

gnomAD v4.1: 3 of 1,613,992 alleles (0.00019%); highest among the groups gnomAD compares: Admixed American, 0.005%; no homozygotes.

Submission:

Labcorp Genetics (formerly Invitae), Labcorp
Classification: Uncertain significance. Last evaluated: 2025-11-16. Review status: criteria provided, single submitter. Criteria: Invitae Variant Classification Sherloc (09022015). Collection method: clinical testing. Allele origin: germline.
Comment: This sequence change replaces tyrosine, which is neutral and polar, with phenylalanine, which is neutral and non-polar, at codon 422 of the SPTA1 protein (p.Tyr422Phe). This variant is not present in population databases (gnomAD no frequency). This variant has not been reported in the literature in individuals affected with SPTA1-related conditions. Invitae Evidence Modeling of protein sequence and biophysical properties (such as structural, functional, and spatial information, amino acid conservation, physicochemical variation, residue mobility, and thermodynamic stability) indicates that this missense variant is not expected to disrupt SPTA1 protein function with a negative predictive value of 80%. In summary, the available evidence is currently insufficient to determine the role of this variant in disease. Therefore, it has been classified as a Variant of Uncertain Significance.